The following is an entry in ClinVar:

NM_024642.5(GALNT12):c.1093T>C (p.Phe365Leu)

Gene: GALNT12 (polypeptide N-acetylgalactosaminyltransferase 12; plus strand). Cytogenetic location: 9q22.33.
Variant type: single nucleotide variant.
Coding change: c.1093T>C on transcript NM_024642.5 (MANE Select); coding-DNA position 1093, T replaced by C.
Protein change: p.Phe365Leu; replaces phenylalanine 365 with leucine.
Molecular consequence: missense variant.
Genome position (GRCh38, 1-based): chr9:98,837,029, T>C. VCF-style: chr9-98837029-T-C. GRCh37 (hg19) VCF-style: chr9-101599311-T-C.
Other names: short protein forms F365L.
Identifiers: ClinVar variation 3852667 (VCV003852667.1).

ClinVar aggregate classification (germline): Uncertain significance (1 of 4 stars; one submission).

Submission:

Ambry Genetics
Classification: Uncertain significance. Last evaluated: 2025-01-13. Review status: criteria provided, single submitter. Criteria: Ambry Variant Classification Scheme 2023. Collection method: clinical testing. Allele origin: germline.
Comment: The p.F365L variant (also known as c.1093T>C), located in coding exon 6 of the GALNT12 gene, results from a T to C substitution at nucleotide position 1093. The phenylalanine at codon 365 is replaced by leucine, an amino acid with highly similar properties. This amino acid position is conserved. In addition, this alteration is predicted to be deleterious by in silico analysis. Based on the available evidence, the clinical significance of this variant remains unclear.